The following is an entry in ClinVar:

NM_001692.4(ATP6V1B1):c.1116C>A (p.Tyr372Ter)

Gene: ATP6V1B1 (ATPase H+ transporting V1 subunit B1; plus strand). Cytogenetic location: 2p13.3.
Variant type: single nucleotide variant.
Coding change: c.1116C>A on transcript NM_001692.4 (MANE Select); coding-DNA position 1116, C replaced by A.
Protein change: p.Tyr372Ter; replaces tyrosine 372 with a stop codon.
Molecular consequence: nonsense.
Genome position (GRCh38, 1-based): chr2:70,963,627, C>A. VCF-style: chr2-70963627-C-A. GRCh37 (hg19) VCF-style: chr2-71190757-C-A.
Other names: short protein forms Y372*.
Identifiers: ClinVar variation 4814928 (VCV004814928.1).

ClinVar aggregate classification (germline): Likely pathogenic (1 of 4 stars; one submission).

Conditions:
Renal tubular acidosis with progressive nerve deafness. Also called: Distal Renal Tubular Acidosis with Progressive Sensorineural Deafness; renal tubular acidosis, distal, 2, with progressive sensorineural hearing loss; RENAL TUBULAR ACIDOSIS, AUTOSOMAL RECESSIVE, WITH PROGRESSIVE NERVE DEAFNESS; RTA WITH PROGRESSIVE NERVE DEAFNESS. Identifiers: MedGen C0403554, MONDO:0009968, OMIM 267300.

Submission:

Natera, Inc.
Classification: Likely pathogenic for Renal tubular acidosis with progressive nerve deafness. Last evaluated: 2025-03-18. Review status: criteria provided, single submitter. Criteria: Natera Variant Classification Schema (03/2026). Collection method: clinical testing. Allele origin: germline.
Comment: The c.1116C>A variant in ATP6V1B1 is a nonsense variant predicted to introduce a stop codon at amino acid 372. This variant is expected to result in nonsense mediated decay, truncation, or a dysfunctional protein product. This variant is rare in the general population with a frequency below the threshold expected for the associated phenotype(s). Given the available evidence, this variant is classified as Likely Pathogenic.